The following is an entry in ClinVar:

ClinVar aggregate classification (germline): Uncertain significance. Review status: criteria provided, multiple submitters, no conflicts (2 of 4 stars). 4 submissions from 4 submitters: Uncertain significance (4). Last evaluated 2025-08-17.

Conditions:
Multiple endocrine neoplasia, type 1 (MEN1). Also called: MEN I; WERMER SYNDROME; Endocrine adenomatosis multiple; MEN 1; MEA I. Identifiers: Orphanet 652, MedGen C0025267, MeSH D018761, MONDO:0007540, OMIM 131100.
Hereditary cancer-predisposing syndrome. Also called: Hereditary Cancer Syndrome; Hereditary neoplastic syndrome; Tumor predisposition; Neoplastic Syndromes, Hereditary. Identifiers: Orphanet 140162, MedGen C0027672, MeSH D009386, MONDO:0015356.

Allele frequency attached by ClinVar (database versions not stated): gnomAD 0.00001; gnomAD exomes 0.00001; TOPMed 0.00001.
gnomAD v4.1: 17 of 1,596,148 alleles (0.0011%); highest among the groups gnomAD compares: Non-Finnish European, 0.0014%; no homozygotes.

Submissions (4):

Labcorp Genetics (formerly Invitae), Labcorp
Classification: Uncertain significance for Multiple endocrine neoplasia, type 1. Last evaluated: 2025-08-17. Review status: criteria provided, single submitter. Criteria: Invitae Variant Classification Sherloc (09022015). Collection method: clinical testing. Allele origin: germline.
Comment: This sequence change replaces glutamic acid, which is acidic and polar, with valine, which is neutral and non-polar, at codon 466 of the MEN1 protein (p.Glu466Val). This variant is not present in population databases (gnomAD no frequency). This variant has not been reported in the literature in individuals affected with MEN1-related conditions. ClinVar contains an entry for this variant (Variation ID: 457293). Invitae Evidence Modeling of protein sequence and biophysical properties (such as structural, functional, and spatial information, amino acid conservation, physicochemical variation, residue mobility, and thermodynamic stability) has been performed for this missense variant. However, the output from this modeling did not meet the statistical confidence thresholds required to predict the impact of this variant on MEN1 protein function. In summary, the available evidence is currently insufficient to determine the role of this variant in disease. Therefore, it has been classified as a Variant of Uncertain Significance.

Ambry Genetics
Classification: Uncertain significance for Hereditary cancer-predisposing syndrome. Last evaluated: 2024-05-07. Review status: criteria provided, single submitter. Criteria: Ambry Variant Classification Scheme 2023. Collection method: clinical testing. Allele origin: germline.
Comment: The p.E466V variant (also known as c.1397A>T), located in coding exon 9 of the MEN1 gene, results from an A to T substitution at nucleotide position 1397. The glutamic acid at codon 466 is replaced by valine, an amino acid with dissimilar properties. This amino acid position is conserved. In addition, the in silico prediction for this alteration is inconclusive. Since supporting evidence is limited at this time, the clinical significance of this alteration remains unclear.

GeneDx
Classification: Uncertain significance. Last evaluated: 2023-04-04. Review status: criteria provided, single submitter. Criteria: GeneDx Variant Classification Process June 2021. Collection method: clinical testing. Allele origin: germline. Affected: yes.
Comment: Not observed at significant frequency in large population cohorts (gnomAD); In silico analysis supports that this missense variant does not alter protein structure/function; Has not been previously published as pathogenic or benign to our knowledge; This variant is associated with the following publications: (PMID: 11274402, 11526476)

ARUP Laboratories, Molecular Genetics and Genomics, ARUP Laboratories
Classification: Uncertain significance. Last evaluated: 2021-01-21. Review status: criteria provided, single submitter. Criteria: ARUP Molecular Germline Variant Investigation Process 2021. Collection method: clinical testing. Allele origin: germline.
Comment: The MEN1 c.1397A>T; p.Glu466Val variant (rs1352053477), to our knowledge, is not reported in the medical literature but is reported in ClinVar (Variation ID: 457293). This variant is absent from general population databases (Exome Variant Server, Genome Aggregation Database), indicating it is not a common polymorphism. The glutamate at codon 466 is moderately conserved, and computational analyses are uncertain whether this variant is neutral or deleterious (REVEL: 0.484). Due to limited information, the clinical significance of the p.Glu466Val variant is uncertain at this time.

NM_001370259.2(MEN1):c.1397A>T (p.Glu466Val)

Gene: MEN1 (menin 1; minus strand). Cytogenetic location: 11q13.1.
Variant type: single nucleotide variant.
Coding change: c.1397A>T on transcript NM_001370259.2 (MANE Select); coding-DNA position 1397, A replaced by T.
Protein change: p.Glu466Val; replaces glutamic acid 466 with valine.
Molecular consequence: missense variant.
Genome position (GRCh38, 1-based): chr11:64,804,770, T>A on the plus strand (A>T on the coding strand, the complement: MEN1 is on the minus strand). VCF-style: chr11-64804770-T-A. GRCh37 (hg19) VCF-style: chr11-64572242-T-A.
Other names: c.1412A>T, p.Glu471Val (NM_000244.4, NM_130800.3, NM_130801.3 and 3 more transcripts); c.1523A>T, p.Glu508Val (NM_001370251.2); c.1397A>T, p.Glu466Val (NM_001370260.2, NM_001370261.2, NM_130799.3); c.1292A>T, p.Glu431Val (NM_001370262.2, NM_001370263.2); short protein forms E471V, E466V, E508V, E431V.
Identifiers: ClinVar variation 457293 (VCV000457293.19), dbSNP rs1352053477, ClinGen allele CA381179668.
Genomic context (GRCh38, chr11:64,804,770, plus strand): 5'-TCCCGCCGTGGGCCCCGCCGCCGGCCTTCCCGGGCTTCCTCGCCCCACGGCTCCTCGGCC[T>A]CGGCCGCCTCGGCCTCTCGGCTCACTATGCGCACCTTCTGCCGCACCTGGGCCAGTGGGG-3'
Protein context (NP_001357188.2, residues 456-476): RIVSREAEAA[Glu466Val]AEEPWGEEAR